The following is an entry in ClinVar:

ClinVar aggregate classification (germline): Benign (1 of 4 stars; one submission).

Allele frequency attached by ClinVar (database versions not stated): TOPMed 0.15030; gnomAD 0.15427 and 0.15829; 1000 Genomes Project 30x 0.15725; 1000 Genomes Project 0.15954; gnomAD exomes 0.17908.
gnomAD v4.1: 83,273 of 483,756 alleles (17%); highest among the groups gnomAD compares: East Asian, 24%; 8,414 homozygotes.

Submission:

GeneDx
Classification: Benign. Last evaluated: 2018-06-19. Review status: criteria provided, single submitter. Criteria: GeneDx Variant Classification (06012015). Collection method: clinical testing. Allele origin: germline. Affected: yes.
Comment: This variant is considered likely benign or benign based on one or more of the following criteria: it is a conservative change, it occurs at a poorly conserved position in the protein, it is predicted to be benign by multiple in silico algorithms, and/or has population frequency not consistent with disease.

NM_004937.3(CTNS):c.681+274G>A

Genes: CTNS (cystinosin, lysosomal cystine transporter; plus strand), CTNS-AS1 (CTNS antisense RNA 1; minus strand). Cytogenetic location: 17p13.2.
Variant type: single nucleotide variant.
Coding change: c.681+274G>A on transcript NM_004937.3 (MANE Select); 274 bases into the intron after coding-DNA position 681, G replaced by A.
Molecular consequence: intron variant.
Genome position (GRCh38, 1-based): chr17:3,657,069, G>A. VCF-style: chr17-3657069-G-A. GRCh37 (hg19) VCF-style: chr17-3560363-G-A.
Other names: c.681+274G>A (NM_001031681.3, NM_001374492.1); c.240+274G>A (NM_001374493.1, NM_001374495.1, NM_001374494.1 and 1 more transcripts).
Identifiers: ClinVar variation 672025 (VCV000672025.1), dbSNP rs4790532, ClinGen allele CA14368894.